The following is an entry in ClinVar:

ClinVar aggregate classification (germline): Likely pathogenic (1 of 4 stars; one submission).

Submission:

GeneDx
Classification: Likely pathogenic. Last evaluated: 2014-10-13. Review status: criteria provided, single submitter. Criteria: GeneDx Variant Classification (06012015). Collection method: clinical testing. Allele origin: germline. Affected: yes.
Comment: A novel G337E variant that is likely pathogenic was identified in the FGFR1 gene. It has not been published as a pathogenic, nor has it been reported as a benign polymorphism to our knowledge. It was not observed in approximately 6,400 individuals of European and African American ancestry in an external variant database, indicating it is not a common benign variant in these populations. The G337E variant is a non-conservative amino acid substitution, which is likely to impact secondary protein structure as these residues differ in polarity, charge, size and/or other properties. This substitution occurs at a position that is well conserved across species, and in silico analysis predicts this variant is probably damaging to the protein structure/function. Additionally, missense variants in nearby residues (S332C, Y339C, T340M, C341W, L342S, A343V) have been reported in the Human Gene Mutation Database in association with Kallmann syndrome (Stenson et al., 2014), supporting the functional importance of this region of the protein. This variant is a strong candidate for a pathogenic variant, however the possibility that it is a benign variant cannot be excluded at this time.

NM_023110.3(FGFR1):c.1010G>A (p.Gly337Glu)

Gene: FGFR1 (fibroblast growth factor receptor 1; minus strand). Cytogenetic location: 8p11.23.
Variant type: single nucleotide variant.
Coding change: c.1010G>A on transcript NM_023110.3 (MANE Select); coding-DNA position 1010, G replaced by A.
Protein change: p.Gly337Glu; replaces glycine 337 with glutamic acid.
Molecular consequence: missense variant.
Genome position (GRCh38, 1-based): chr8:38,421,868, C>T on the plus strand (G>A on the coding strand, the complement: FGFR1 is on the minus strand). VCF-style: chr8-38421868-C-T. GRCh37 (hg19) VCF-style: chr8-38279386-C-T.
Other names: c.1010G>A, p.Gly337Glu (NM_001174063.2); c.986G>A, p.Gly329Glu (NM_001174064.2); c.1004G>A, p.Gly335Glu (NM_001174065.2, NM_001354367.2, NM_001354369.2 and 1 more transcripts); c.743G>A, p.Gly248Glu (NM_001174066.2, NM_023105.3); c.1103G>A, p.Gly368Glu (NM_001174067.2); c.737G>A, p.Gly246Glu (NM_001354368.2, NM_001354370.2, NM_023106.3); short protein forms G337E, G248E, G368E, G329E, G246E, G335E.
Identifiers: ClinVar variation 418206 (VCV000418206.2), dbSNP rs1064793122, ClinGen allele CA16618631.
Genomic context (GRCh38, chr8:38,421,868, plus strand): 5'-GTCAACCATGCAGAGTGATGGGAGAGTCCGATAGAGTTACCCGCCAAGCACGTATACTCC[C>T]CTGCGTCCTCAAAGGAGACATTTCTTAAGTGAAGCACCTCCATCTCTTTGTCGGTGGTAT-3'
Protein context (NP_075598.2, residues 327-347): HLRNVSFEDA[Gly337Glu]EYTCLAGNSI